The following is an entry in ClinVar:

ClinVar aggregate classification (germline): Uncertain significance. Review status: criteria provided, single submitter (1 of 4 stars). 2 submissions from 2 submitters: Uncertain significance (1). 1 of the submissions does not count toward it. Last evaluated 2025-08-27.

Conditions:
CRISPLD2-related disorder. Also called: CRISPLD2-related condition.

gnomAD v4.1: 18 of 1,614,122 alleles (0.0011%); highest among the groups gnomAD compares: Non-Finnish European, 0.0014%; no homozygotes.

Submissions (2):

Ambry Genetics
Classification: Uncertain significance. Last evaluated: 2025-08-27. Review status: criteria provided, single submitter. Criteria: Ambry Variant Classification Scheme 2023. Collection method: clinical testing. Allele origin: germline.

PreventionGenetics, part of Exact Sciences
Classification: Uncertain significance for CRISPLD2-related condition. Last evaluated: 2024-09-13. Review status: no assertion criteria provided. Collection method: clinical testing. Allele origin: germline. Not counted in ClinVar's aggregate classification.
Comment: The CRISPLD2 c.128C>T variant is predicted to result in the amino acid substitution p.Ser43Phe. To our knowledge, this variant has not been reported in the literature. This variant is reported in 0.0026% of alleles in individuals of European (Non-Finnish) descent in gnomAD. At this time, the clinical significance of this variant is uncertain due to the absence of conclusive functional and genetic evidence.

NM_031476.4(CRISPLD2):c.128C>T (p.Ser43Phe)

Gene: CRISPLD2 (cysteine rich secretory protein LCCL domain containing 2; plus strand). Cytogenetic location: 16q24.1.
Variant type: single nucleotide variant.
Coding change: c.128C>T on transcript NM_031476.4 (MANE Select); coding-DNA position 128, C replaced by T.
Protein change: p.Ser43Phe; replaces serine 43 with phenylalanine.
Molecular consequence: missense variant.
Genome position (GRCh38, 1-based): chr16:84,838,623, C>T. VCF-style: chr16-84838623-C-T. GRCh37 (hg19) VCF-style: chr16-84872229-C-T.
Other names: short protein forms S43F.
Identifiers: ClinVar variation 3354312 (VCV003354312.2).